The following is an entry in ClinVar:

NM_000540.3(RYR1):c.14155A>G (p.Lys4719Glu)

Gene: RYR1 (ryanodine receptor 1; plus strand). Cytogenetic location: 19q13.2.
Variant type: single nucleotide variant.
Coding change: c.14155A>G on transcript NM_000540.3 (MANE Select); coding-DNA position 14155, A replaced by G.
Protein change: p.Lys4719Glu; replaces lysine 4719 with glutamic acid.
Molecular consequence: missense variant.
Genome position (GRCh38, 1-based): chr19:38,575,944, A>G. VCF-style: chr19-38575944-A-G. GRCh37 (hg19) VCF-style: chr19-39066584-A-G.
Other names: c.14140A>G, p.Lys4714Glu (NM_001042723.2); short protein forms K4714E, K4719E.
Identifiers: ClinVar variation 3385616 (VCV003385616.1).

ClinVar aggregate classification (germline): Uncertain significance (1 of 4 stars; one submission).

Conditions:
Malignant hyperthermia, susceptibility to, 1 (MHS1). Also called: Anesthesia related hyperthermia; Malignant hyperpyrexia; Fulminating hyperpyrexia; Pharmacogenic myopathy; Malignant hyperthermia suceptibility 1; RYR1-Related Malignant Hyperthermia Susceptibility. Identifiers: Orphanet 423, MedGen C2930980, MONDO:0007783, OMIM 145600.

Submission:

All of Us Research Program, National Institutes of Health
Classification: Uncertain significance for Malignant hyperthermia, susceptibility to, 1. Last evaluated: 2024-02-22. Review status: criteria provided, single submitter. Criteria: ACMG Guidelines, 2015. Collection method: clinical testing. Allele origin: germline. Inheritance: Autosomal dominant inheritance. Observed: 1 variant allele, 1 heterozygote.
Comment: This missense variant replaces lysine with glutamic acid at codon 4719 of the RYR1 protein. Computational prediction suggests that this variant may have deleterious impact on protein structure and function (internally defined REVEL score threshold >= 0.7, PMID: 27666373). To our knowledge, functional studies have not been reported for this variant. This variant has not been reported in individuals affected with RYR1-related disorders in the literature. This variant has not been identified in the general population by the Genome Aggregation Database (gnomAD). The available evidence is insufficient to determine the role of this variant in disease conclusively. Therefore, this variant is classified as a Variant of Uncertain Significance.

This study involves interpretation of variants in research participants for the purpose of population health screening. Participant phenotype was not available at the time of variant classification. Additional details can be found in publication PMID: 35346344, PMCID: PMC8962531